The following is an entry in ClinVar:

ClinVar aggregate classification (germline): Uncertain significance (1 of 4 stars; one submission).

Conditions:
Arrhythmogenic right ventricular dysplasia 5. Also called: Arrhythmogenic Right Ventricular Dysplasia/Cardiomyopathy 5; ARRHYTHMOGENIC RIGHT VENTRICULAR DYSPLASIA, FAMILIAL, 5. Identifiers: MedGen C1858379, MONDO:0011459, OMIM 604400.

Submission:

All of Us Research Program, National Institutes of Health
Classification: Uncertain significance for Arrhythmogenic right ventricular dysplasia 5. Last evaluated: 2023-07-10. Review status: criteria provided, single submitter. Criteria: ACMG Guidelines, 2015. Collection method: clinical testing. Allele origin: germline. Inheritance: Autosomal dominant inheritance. Observed: 1 variant allele, 1 heterozygote.
Comment: This variant causes a G to T nucleotide substitution at the +1 position of intron 3 of the TMEM43 gene. Splice site prediction tools predict that this variant may have a significant impact on RNA splicing. To our knowledge, functional RNA studies have not been reported for this variant. This variant has not been reported in individuals affected with TMEM43-related disorders in the literature. This variant has not been identified in the general population by the Genome Aggregation Database (gnomAD). Clinical relevance of loss-of-function truncation and splice variants in the TMEM43 gene is not clearly established. The available evidence is insufficient to determine the role of this variant in disease conclusively. Therefore, this variant is classified as a Variant of Uncertain Significance.

This study involves interpretation of variants in research participants for the purpose of population health screening. Participant phenotype was not available at the time of variant classification. Additional details can be found in publication PMID: 35346344, PMCID: PMC8962531

NM_024334.3(TMEM43):c.297+1G>T

Gene: TMEM43 (transmembrane protein 43; plus strand). Cytogenetic location: 3p25.1.
Variant type: single nucleotide variant.
Coding change: c.297+1G>T on transcript NM_024334.3 (MANE Select); the canonical splice donor site of the intron after coding-DNA position 297, G replaced by T.
Molecular consequence: splice donor variant.
Genome position (GRCh38, 1-based): chr3:14,130,957, G>T. VCF-style: chr3-14130957-G-T. GRCh37 (hg19) VCF-style: chr3-14172457-G-T.
Other names: c.297+1G>T (NM_001407274.1, NM_001407276.1, NM_001407275.1 and 2 more transcripts); c.282+1G>T (NM_001407278.1); c.147+1G>T (NM_001407280.1).
Identifiers: ClinVar variation 3072328 (VCV003072328.1), dbSNP rs749837282, ClinGen allele CA351534744.